The following is an entry in ClinVar:

ClinVar aggregate classification (germline): Uncertain significance. Review status: criteria provided, multiple submitters, no conflicts (2 of 4 stars). 2 submissions from 2 submitters: Uncertain significance (2). Last evaluated 2025-09-08.

Conditions:
Hereditary cancer-predisposing syndrome. Also called: Neoplastic Syndromes, Hereditary; Hereditary neoplastic syndrome; Hereditary Cancer Syndrome; Tumor predisposition. Identifiers: Orphanet 140162, MedGen C0027672, MeSH D009386, MONDO:0015356.
Multiple endocrine neoplasia, type 1 (MEN1). Also called: Endocrine adenomatosis multiple; MEN 1; MEN I; WERMER SYNDROME; MEA I. Identifiers: Orphanet 652, MedGen C0025267, MeSH D018761, MONDO:0007540, OMIM 131100.

Submissions (2):

Ambry Genetics
Classification: Uncertain significance for Hereditary cancer-predisposing syndrome. Last evaluated: 2025-09-08. Review status: criteria provided, single submitter. Criteria: Ambry Variant Classification Scheme 2023. Collection method: clinical testing. Allele origin: germline.
Comment: The p.F43L variant (also known as c.129C>G), located in coding exon 1 of the MEN1 gene, results from a C to G substitution at nucleotide position 129. The phenylalanine at codon 43 is replaced by leucine, an amino acid with highly similar properties. This amino acid position is highly conserved in available vertebrate species. In addition, the in silico prediction for this alteration is inconclusive. Based on the available evidence, the clinical significance of this variant remains unclear.

Labcorp Genetics (formerly Invitae), Labcorp
Classification: Uncertain significance for Multiple endocrine neoplasia, type 1. Last evaluated: 2018-10-24. Review status: criteria provided, single submitter. Criteria: Invitae Variant Classification Sherloc (09022015). Collection method: clinical testing. Allele origin: germline.
Comment: In summary, the available evidence is currently insufficient to determine the role of this variant in disease. Therefore, it has been classified as a Variant of Uncertain Significance. This sequence change replaces phenylalanine with leucine at codon 43 of the MEN1 protein (p.Phe43Leu). The phenylalanine residue is highly conserved and there is a small physicochemical difference between phenylalanine and leucine. This variant is not present in population databases (ExAC no frequency). This variant has not been reported in the literature in individuals with MEN1-related disease. Algorithms developed to predict the effect of missense changes on protein structure and function are either unavailable or do not agree on the potential impact of this missense change (SIFT: "Deleterious"; PolyPhen-2: "Benign"; Align-GVGD: "Class C0").

NM_001370259.2(MEN1):c.129C>G (p.Phe43Leu)

Gene: MEN1 (menin 1; minus strand). Cytogenetic location: 11q13.1.
Variant type: single nucleotide variant.
Coding change: c.129C>G on transcript NM_001370259.2 (MANE Select); coding-DNA position 129, C replaced by G.
Protein change: p.Phe43Leu; replaces phenylalanine 43 with leucine.
Molecular consequence: missense variant.
Genome position (GRCh38, 1-based): chr11:64,809,981, G>C on the plus strand (C>G on the coding strand, the complement: MEN1 is on the minus strand). VCF-style: chr11-64809981-G-C. GRCh37 (hg19) VCF-style: chr11-64577453-G-C.
Other names: c.129C>G, p.Phe43Leu (NM_130803.3, NM_130804.3, NM_000244.4 and 9 more transcripts); short protein forms F43L.
Identifiers: ClinVar variation 658323 (VCV000658323.9), dbSNP rs1592660139, ClinGen allele CA381187871.